The following is an entry in ClinVar:

NM_024656.4(COLGALT1):c.304C>T (p.Arg102Trp)

Gene: COLGALT1 (collagen beta(1-O)galactosyltransferase 1; plus strand). Cytogenetic location: 19p13.11.
Variant type: single nucleotide variant.
Coding change: c.304C>T on transcript NM_024656.4 (MANE Select); coding-DNA position 304, C replaced by T.
Protein change: p.Arg102Trp; replaces arginine 102 with tryptophan.
Molecular consequence: missense variant.
Genome position (GRCh38, 1-based): chr19:17,559,354, C>T. VCF-style: chr19-17559354-C-T. GRCh37 (hg19) VCF-style: chr19-17670163-C-T.
Other names: short protein forms R102W.
Identifiers: ClinVar variation 2381025 (VCV002381025.4), dbSNP rs377086776, ClinGen allele CA9296855.
Genomic context (GRCh38, chr19:17,559,354, plus strand): 5'-GTCCCCTCTCCCTGCAGGGTGGCTACGGACCACAACATGGATAACACGTCAACTGTGCTG[C>T]GGGAGTGGCTGGTGGCCGTGAAGAGTTTGTACCATTCCGTGGAGTGGCGGCCAGCAGAGG-3'
Protein context (NP_078932.2, residues 92-112): HNMDNTSTVL[Arg102Trp]EWLVAVKSLY

ClinVar aggregate classification (germline): Uncertain significance. Review status: criteria provided, multiple submitters, no conflicts (2 of 4 stars). 2 submissions from 2 submitters: Uncertain significance (2). Last evaluated 2025-03-05.

Conditions:
Inborn genetic diseases. Identifiers: MedGen C0950123, MeSH D030342.

Allele frequency attached by ClinVar (database versions not stated): ESP Exome Variant Server 0.00008; gnomAD 0.00008; TOPMed 0.00013.

Submissions (2):

Labcorp Genetics (formerly Invitae), Labcorp
Classification: Uncertain significance. Last evaluated: 2025-03-05. Review status: criteria provided, single submitter. Criteria: Invitae Variant Classification Sherloc (09022015). Collection method: clinical testing. Allele origin: germline.
Comment: This sequence change replaces arginine, which is basic and polar, with tryptophan, which is neutral and slightly polar, at codon 102 of the COLGALT1 protein (p.Arg102Trp). This variant is present in population databases (rs377086776, gnomAD 0.02%). This variant has not been reported in the literature in individuals affected with COLGALT1-related conditions. ClinVar contains an entry for this variant (Variation ID: 2381025). Invitae Evidence Modeling of protein sequence and biophysical properties (such as structural, functional, and spatial information, amino acid conservation, physicochemical variation, residue mobility, and thermodynamic stability) indicates that this missense variant is not expected to disrupt COLGALT1 protein function with a negative predictive value of 80%. In summary, the available evidence is currently insufficient to determine the role of this variant in disease. Therefore, it has been classified as a Variant of Uncertain Significance.

Ambry Genetics
Classification: Uncertain significance for Inborn genetic diseases. Last evaluated: 2024-12-11. Review status: criteria provided, single submitter. Criteria: Ambry Variant Classification Scheme 2023. Collection method: clinical testing. Allele origin: germline.